The following is an entry in ClinVar:

NM_031935.3(HMCN1):c.5276C>A (p.Thr1759Lys)

Gene: HMCN1 (hemicentin 1; plus strand). Cytogenetic location: 1q31.1.
Variant type: single nucleotide variant.
Coding change: c.5276C>A on transcript NM_031935.3 (MANE Select); coding-DNA position 5276, C replaced by A.
Protein change: p.Thr1759Lys; replaces threonine 1759 with lysine.
Molecular consequence: missense variant.
Genome position (GRCh38, 1-based): chr1:186,017,047, C>A. VCF-style: chr1-186017047-C-A. GRCh37 (hg19) VCF-style: chr1-185986179-C-A.
Other names: short protein forms T1759K.
Identifiers: ClinVar variation 1970691 (VCV001970691.5), dbSNP rs1371788064, ClinGen allele CA343889838.

ClinVar aggregate classification (germline): Uncertain significance (1 of 4 stars; one submission).

gnomAD v4.1: 1 of 1,602,024 alleles (0.000062%); highest among the groups gnomAD compares: Middle Eastern, 0.017%; no homozygotes.

Submission:

Labcorp Genetics (formerly Invitae), Labcorp
Classification: Uncertain significance. Last evaluated: 2022-06-08. Review status: criteria provided, single submitter. Criteria: Invitae Variant Classification Sherloc (09022015). Collection method: clinical testing. Allele origin: germline.
Comment: This sequence change replaces threonine, which is neutral and polar, with lysine, which is basic and polar, at codon 1759 of the HMCN1 protein (p.Thr1759Lys). In summary, the available evidence is currently insufficient to determine the role of this variant in disease. Therefore, it has been classified as a Variant of Uncertain Significance. Algorithms developed to predict the effect of missense changes on protein structure and function are either unavailable or do not agree on the potential impact of this missense change (SIFT: "Deleterious"; PolyPhen-2: "Probably Damaging"; Align-GVGD: "Class C0"). This variant has not been reported in the literature in individuals affected with HMCN1-related conditions. This variant is present in population databases (no rsID available, gnomAD 0.0009%).